The following is an entry in ClinVar:

NM_000548.5(TSC2):c.135G>C (p.Leu45=)

Gene: TSC2 (TSC complex subunit 2; plus strand). Cytogenetic location: 16p13.3.
Variant type: single nucleotide variant.
Coding change: c.135G>C on transcript NM_000548.5 (MANE Select); coding-DNA position 135, G replaced by C.
Protein change: p.Leu45=; no amino-acid change (leucine 45 retained).
Molecular consequence: synonymous variant. On other transcripts: 5 prime UTR variant (1), intron variant (1).
Genome position (GRCh38, 1-based): chr16:2,048,750, G>C. VCF-style: chr16-2048750-G-C. GRCh37 (hg19) VCF-style: chr16-2098751-G-C.
Other names: c.135G>C, p.Leu45= (NM_001077183.3, NM_001114382.3, NM_001318827.2 and 4 more transcripts); c.-92G>C (NM_001318831.2); c.168G>C, p.Leu56= (NM_001318832.2); c.-10+685G>C (NM_001318829.2).
Identifiers: ClinVar variation 1537423 (VCV001537423.9), dbSNP rs1555494715, ClinGen allele CA492954639.

ClinVar aggregate classification (germline): Benign/Likely benign. Review status: criteria provided, multiple submitters, no conflicts (2 of 4 stars). 2 submissions from 2 submitters: Benign (1); Likely benign (1). Last evaluated 2025-04-30.

Conditions:
Tuberous sclerosis 2 (TSC2). Identifiers: Orphanet 805, MedGen C1860707, MONDO:0013199, OMIM 613254.

Submissions (2):

Myriad Genetics, Inc.
Classification: Benign for Tuberous sclerosis 2. Last evaluated: 2025-04-30. Review status: criteria provided, single submitter. Criteria: Myriad Autosomal Dominant, Autosomal Recessive and X-Linked Classification Criteria (2023). Collection method: clinical testing. Allele origin: unknown.
Comment: This variant is considered benign. This variant is a silent/synonymous amino acid change and it is not expected to impact splicing.

Labcorp Genetics (formerly Invitae), Labcorp
Classification: Likely benign for Tuberous sclerosis 2. Last evaluated: 2021-08-18. Review status: criteria provided, single submitter. Criteria: Invitae Variant Classification Sherloc (09022015). Collection method: clinical testing. Allele origin: germline.